The following is an entry in ClinVar:

ClinVar aggregate classification (germline): Benign/Likely benign. Review status: criteria provided, multiple submitters, no conflicts (2 of 4 stars). 8 submissions from 8 submitters: Benign (7); Likely benign (1). Last evaluated 2026-03-31.

Conditions:
Cardiovascular phenotype. Identifiers: MedGen CN230736.
Ehlers-Danlos syndrome (EDS). Identifiers: Orphanet 98249, MedGen C0013720, MONDO:0020066.
Brittle cornea syndrome 1 (BCS1). Also called: Corneal fragility keratoglobus, blue sclerae AND joint hypermobility; DYSGENESIS MESODERMALIS CORNEAE ET SCLERAE; CORNEAL FRAGILITY, KERATOGLOBUS, BLUE SCLERAE, JOINT HYPEREXTENSIBILITY; EDS6B; FRAGILITAS OCULI WITH JOINT HYPEREXTENSIBILITY. Identifiers: Orphanet 90354, MedGen C0268344, MONDO:0024543, OMIM 229200.

Allele frequency attached by ClinVar (database versions not stated): gnomAD exomes 0.00182 and 0.00415; ExAC 0.00711; gnomAD 0.01887 and 0.02017; TOPMed 0.02095; 1000 Genomes Project 0.02177; 1000 Genomes Project 30x 0.02249.
gnomAD v4.1: 5,582 of 1,550,326 alleles (0.36%); highest among the groups gnomAD compares: African/African-American, 6.4%; 170 homozygotes.

Submissions (8):

Women's Health and Genetics/Laboratory Corporation of America, LabCorp
Classification: Benign. Last evaluated: 2026-03-31. Review status: criteria provided, single submitter. Criteria: LabCorp Variant Classification Summary - May 2015. Collection method: clinical testing. Allele origin: germline.

Labcorp Genetics (formerly Invitae), Labcorp
Classification: Benign. Last evaluated: 2026-02-04. Review status: criteria provided, single submitter. Criteria: Invitae Variant Classification Sherloc (09022015). Collection method: clinical testing. Allele origin: germline.

Mayo Clinic Laboratories, Mayo Clinic
Classification: Benign. Last evaluated: 2023-01-23. Review status: criteria provided, single submitter. Criteria: ACMG Guidelines, 2015. Collection method: clinical testing. Allele origin: germline. Observed: 18 variant alleles.

Genome Diagnostics Laboratory, The Hospital for Sick Children
Classification: Benign for Ehlers-Danlos syndrome. Last evaluated: 2022-06-13. Review status: criteria provided, single submitter. Criteria: ACMG Guidelines, 2015. Collection method: clinical testing. Allele origin: germline.

Genome-Nilou Lab
Classification: Benign for Brittle cornea syndrome 1. Last evaluated: 2021-12-05. Review status: criteria provided, single submitter. Criteria: ACMG Guidelines, 2015. Collection method: clinical testing. Allele origin: germline. Affected: no.

Ambry Genetics
Classification: Benign for Cardiovascular phenotype. Last evaluated: 2019-04-23. Review status: criteria provided, single submitter. Criteria: Ambry Variant Classification Scheme 2023. Collection method: clinical testing. Allele origin: germline.

GeneDx
Classification: Benign. Last evaluated: 2017-02-27. Review status: criteria provided, single submitter. Criteria: GeneDx Variant Classification (06012015). Collection method: clinical testing. Allele origin: germline. Affected: yes.
Comment: This variant is considered likely benign or benign based on one or more of the following criteria: it is a conservative change, it occurs at a poorly conserved position in the protein, it is predicted to be benign by multiple in silico algorithms, and/or has population frequency not consistent with disease.

Breakthrough Genomics
Classification: Likely benign. Review status: criteria provided, single submitter. Criteria: ACMG Guidelines, 2015. Collection method: not provided. Allele origin: germline. Inheritance: Autosomal recessive inheritance. Affected: yes.

NM_001367624.2(ZNF469):c.6777G>A (p.Glu2259=)

Gene: ZNF469 (zinc finger protein 469; plus strand). Cytogenetic location: 16q24.2.
Variant type: single nucleotide variant.
Coding change: c.6777G>A on transcript NM_001367624.2 (MANE Select); coding-DNA position 6777, G replaced by A.
Protein change: p.Glu2259=; no amino-acid change (glutamic acid 2259 retained).
Molecular consequence: synonymous variant.
Genome position (GRCh38, 1-based): chr16:88,434,247, G>A. VCF-style: chr16-88434247-G-A. GRCh37 (hg19) VCF-style: chr16-88500655-G-A.
Other names: NM_001127464.1:c.6693G>A; NM_001127464.2:c.6693G>A; p.Glu2259=.
Identifiers: ClinVar variation 320959 (VCV000320959.22), dbSNP rs76442115, ClinGen allele CA8225179.